The following is an entry in ClinVar:

NM_000038.6(APC):c.1643del (p.Val547_Leu548insTer)

Gene: APC (APC regulator of Wnt signaling pathway; plus strand). Cytogenetic location: 5q22.2.
Variant type: Deletion.
Coding change: c.1643del on transcript NM_000038.6 (MANE Select); coding-DNA position 1643, one base deleted (T; older notation c.1643delT).
Protein change: p.Val547_Leu548insTer.
Molecular consequence: nonsense.
Genome position (GRCh38, 1-based): chr5:112,828,872, T deleted; the last of 4 consecutive T bases (chr5:112,828,869-112,828,872); deleting any one gives the same sequence. VCF-style (leftmost placement, unchanged base first): chr5-112828868-GT-G. GRCh37 (hg19) VCF-style: chr5-112164565-GT-G.
Other names: c.1643del, p.Val547_Leu548insTer (NM_001127510.3, NM_001354895.2); c.1589del, p.Val529_Leu530insTer (NM_001127511.3); c.1697del, p.Val565_Leu566insTer (NM_001354896.2); c.1673del, p.Val557_Leu558insTer (NM_001354897.2); c.1568del, p.Val522_Leu523insTer (NM_001354898.2); c.1559del, p.Val519_Leu520insTer (NM_001354899.2); c.1520del, p.Val506_Leu507insTer (NM_001354900.2); c.1466del, p.Val488_Leu489insTer (NM_001354901.2); and 5 more.
Identifiers: ClinVar variation 469717 (VCV000469717.10), dbSNP rs1554082091, ClinGen allele CA445757375.
Genomic context (GRCh38, chr5:112,828,868, plus strand): 5'-CTAGTATGATTTTATGTATAAATTAATCTAAAATTGATTAATTTGCAGGTTATTGCGAGT[GT>G]TTTGAGGAATTTGTCTTGGCGAGCAGATGTAAATAGTAAAAAGACGTTGCGAGAAGTTGG-3'

ClinVar aggregate classification (germline): Pathogenic (1 of 4 stars; one submission).

Conditions:
Familial adenomatous polyposis 1 (FAP1). Also called: POLYPOSIS, ADENOMATOUS INTESTINAL; FAMILIAL ADENOMATOUS POLYPOSIS 1, ATTENUATED. Identifiers: MedGen C2713442, MONDO:0021056, OMIM 175100. Disease mechanism: loss of function.

Submission:

Labcorp Genetics (formerly Invitae), Labcorp
Classification: Pathogenic for Familial adenomatous polyposis 1. Last evaluated: 2017-02-23. Review status: criteria provided, single submitter. Criteria: Invitae Variant Classification Sherloc (09022015). Collection method: clinical testing. Allele origin: germline.
Comment: For these reasons, this variant has been classified as Pathogenic. While this particular variant has not been reported in the literature, loss-of-function variants in APC are known to be pathogenic (PMID: 20685668, 17963004). This sequence change deletes 1 nucleotide from exon 14 of the APC mRNA (c.1643delT), causing a frameshift at codon 548. This creates a premature translational stop signal (p.Leu548*) and is expected to result in an absent or disrupted protein product.

Literature cited by the submitters: PubMed 20685668; PubMed 17963004.